The following is an entry in ClinVar:

NM_001104631.2(PDE4D):c.1798C>T (p.Leu600Phe)

Gene: PDE4D (phosphodiesterase 4D; minus strand). Cytogenetic location: 5q11.2.
Variant type: single nucleotide variant.
Coding change: c.1798C>T on transcript NM_001104631.2 (MANE Select); coding-DNA position 1798, C replaced by T.
Protein change: p.Leu600Phe; replaces leucine 600 with phenylalanine.
Molecular consequence: missense variant.
Genome position (GRCh38, 1-based): chr5:58,976,382, G>A on the plus strand (C>T on the coding strand, the complement: PDE4D is on the minus strand). VCF-style: chr5-58976382-G-A. GRCh37 (hg19) VCF-style: chr5-58272209-G-A.
Other names: c.1615C>T, p.Leu539Phe (NM_001165899.2, NM_001364599.1); c.1606C>T, p.Leu536Phe (NM_001197218.2); c.1432C>T, p.Leu478Phe (NM_001197219.2); c.1408C>T, p.Leu470Phe (NM_001197220.2); c.892C>T, p.Leu298Phe (NM_001197221.2, NM_001364603.1); c.1126C>T, p.Leu376Phe (NM_001197222.2); c.925C>T, p.Leu309Phe (NM_001197223.2); c.1585C>T, p.Leu529Phe (NM_001349241.2); and 3 more; short protein forms L344F, L529F, L539F, L470F, L478F, L600F, L298F, L376F.
Identifiers: ClinVar variation 3663213 (VCV003663213.2).

ClinVar aggregate classification (germline): Uncertain significance (1 of 4 stars; one submission).

Submission:

Labcorp Genetics (formerly Invitae), Labcorp
Classification: Uncertain significance. Last evaluated: 2024-08-21. Review status: criteria provided, single submitter. Criteria: Invitae Variant Classification Sherloc (09022015). Collection method: clinical testing. Allele origin: germline.
Comment: This sequence change replaces leucine, which is neutral and non-polar, with phenylalanine, which is neutral and non-polar, at codon 600 of the PDE4D protein (p.Leu600Phe). This variant is not present in population databases (gnomAD no frequency). This variant has not been reported in the literature in individuals affected with PDE4D-related conditions. Invitae Evidence Modeling of protein sequence and biophysical properties (such as structural, functional, and spatial information, amino acid conservation, physicochemical variation, residue mobility, and thermodynamic stability) indicates that this missense variant is not expected to disrupt PDE4D protein function with a negative predictive value of 80%. In summary, the available evidence is currently insufficient to determine the role of this variant in disease. Therefore, it has been classified as a Variant of Uncertain Significance.